The following is an entry in ClinVar:

ClinVar aggregate classification (germline): Benign (1 of 4 stars; one submission).

Conditions:
MELAS syndrome (MELAS). Also called: Juvenile myopathy, encephalopathy, lactic acidosis, stroke. Identifiers: Orphanet 550, MedGen C0162671, MONDO:0010789, OMIM 540000.

Submission:

Wong Mito Lab, Molecular and Human Genetics, Baylor College of Medicine
Classification: Benign for MELAS syndrome. Last evaluated: 2019-07-12. Review status: criteria provided, single submitter. Criteria: Modified ACMG Guidelines (Unpublished). Collection method: clinical testing. Allele origin: germline.
Comment: The NC_012920.1:m.4314T>A variant in MT-TI gene is interpreted to be a Benign variant based on the modified ACMG guidelines (unpublished). This variant meets the following evidence codes reported in the guidelines: BS1, BS4, BP4

Literature cited by the submitters: PubMed 31965079.

NC_012920.1(MT-TI):m.4314T>A

Gene: MT-TI (mitochondrially encoded tRNA isoleucine; plus strand).
Variant type: single nucleotide variant.
Genome position: chrM-4314-T-A.
Identifiers: ClinVar variation 689880 (VCV000689880.1), dbSNP rs1603219401, ClinGen allele CA913177698.